The following is an entry in ClinVar:

ClinVar aggregate classification (germline): Conflicting classifications of pathogenicity. Review status: criteria provided, conflicting classifications (1 of 4 stars). 3 submissions from 3 submitters: Uncertain significance (2); Likely benign (1). Last evaluated 2026-01-26.

Conditions:
Hereditary cancer-predisposing syndrome. Also called: Hereditary Cancer Syndrome; Hereditary neoplastic syndrome; Neoplastic Syndromes, Hereditary; Tumor predisposition. Identifiers: Orphanet 140162, MedGen C0027672, MeSH D009386, MONDO:0015356.

Allele frequency attached by ClinVar (database versions not stated): gnomAD exomes below 0.00001; TOPMed 0.00001.
gnomAD v4.1: 6 of 1,614,044 alleles (0.00037%); highest among the groups gnomAD compares: Non-Finnish European, 0.00042%; no homozygotes.

Submissions (3):

Labcorp Genetics (formerly Invitae), Labcorp
Classification: Uncertain significance. Last evaluated: 2026-01-26. Review status: criteria provided, single submitter. Criteria: Invitae Variant Classification Sherloc (09022015). Collection method: clinical testing. Allele origin: germline.
Comment: This sequence change replaces leucine, which is neutral and non-polar, with valine, which is neutral and non-polar, at codon 120 of the POLE protein (p.Leu120Val). This variant is present in population databases (no rsID available, gnomAD 0.0009%). This variant has not been reported in the literature in individuals affected with POLE-related conditions. ClinVar contains an entry for this variant (Variation ID: 405842). Invitae Evidence Modeling of protein sequence and biophysical properties (such as structural, functional, and spatial information, amino acid conservation, physicochemical variation, residue mobility, and thermodynamic stability) indicates that this missense variant is not expected to disrupt POLE protein function with a negative predictive value of 80%. RNA analysis performed to evaluate the impact of this missense change on mRNA splicing indicates it does not significantly alter splicing (internal data). In summary, the available evidence is currently insufficient to determine the role of this variant in disease. Therefore, it has been classified as a Variant of Uncertain Significance.

Ambry Genetics
Classification: Likely benign for Hereditary cancer-predisposing syndrome. Last evaluated: 2025-12-09. Review status: criteria provided, single submitter. Criteria: Ambry Variant Classification Scheme 2023. Collection method: clinical testing. Allele origin: germline.

GeneDx
Classification: Uncertain significance. Last evaluated: 2023-07-12. Review status: criteria provided, single submitter. Criteria: GeneDx Variant Classification Process June 2021. Collection method: clinical testing. Allele origin: germline. Affected: yes.
Comment: Not observed at significant frequency in large population cohorts (gnomAD); In silico analysis supports that this missense variant has a deleterious effect on protein structure/function; Has not been previously published as pathogenic or benign to our knowledge

NM_006231.4(POLE):c.358C>G (p.Leu120Val)

Gene: POLE (DNA polymerase epsilon, catalytic subunit; minus strand). Cytogenetic location: 12q24.33.
Variant type: single nucleotide variant.
Coding change: c.358C>G on transcript NM_006231.4 (MANE Select); coding-DNA position 358, C replaced by G.
Protein change: p.Leu120Val; replaces leucine 120 with valine.
Molecular consequence: missense variant.
Genome position (GRCh38, 1-based): chr12:132,680,019, G>C on the plus strand (C>G on the coding strand, the complement: POLE is on the minus strand). VCF-style: chr12-132680019-G-C. GRCh37 (hg19) VCF-style: chr12-133256605-G-C.
Other names: short protein forms L120V.
Identifiers: ClinVar variation 405842 (VCV000405842.14), dbSNP rs888631588, ClinGen allele CA16614067.